The following is an entry in ClinVar:

NM_018010.4(IFT57):c.1232A>G (p.Asn411Ser)

Gene: IFT57 (intraflagellar transport 57; minus strand). Cytogenetic location: 3q13.12.
Variant type: single nucleotide variant.
Coding change: c.1232A>G on transcript NM_018010.4 (MANE Select); coding-DNA position 1232, A replaced by G.
Protein change: p.Asn411Ser; replaces asparagine 411 with serine.
Molecular consequence: missense variant.
Genome position (GRCh38, 1-based): chr3:108,162,535, T>C on the plus strand (A>G on the coding strand, the complement: IFT57 is on the minus strand). VCF-style: chr3-108162535-T-C. GRCh37 (hg19) VCF-style: chr3-107881382-T-C.
Other names: short protein forms N411S.
Identifiers: ClinVar variation 774602 (VCV000774602.16), dbSNP rs35713185, ClinGen allele CA2526438.

ClinVar aggregate classification (germline): Benign. Review status: criteria provided, multiple submitters, no conflicts (2 of 4 stars). 4 submissions from 4 submitters: Benign (3). 1 of the submissions does not count toward it. Last evaluated 2026-04-01.

Conditions:
IFT57-related disorder. Also called: IFT57-related condition.

Allele frequency attached by ClinVar (database versions not stated): 1000 Genomes Project 0.00599; 1000 Genomes Project 30x 0.00671; gnomAD 0.00888 and 0.00889; TOPMed 0.00937; ExAC 0.00981; gnomAD exomes 0.01010; ESP Exome Variant Server 0.01053.
gnomAD v4.1: 19,201 of 1,612,394 alleles (1.2%); highest among the groups gnomAD compares: Middle Eastern, 2.9%; 138 homozygotes.

Submissions (4):

CeGaT Center for Human Genetics Tuebingen
Classification: Benign. Last evaluated: 2026-04-01. Review status: criteria provided, single submitter. Criteria: CeGaT Center For Human Genetics Tuebingen Variant Classification Criteria Version 2. Collection method: clinical testing. Allele origin: germline. Affected: yes. Observed: 2 variant alleles.
Comment: IFT57: BP4, BS1, BS2

Labcorp Genetics (formerly Invitae), Labcorp
Classification: Benign. Last evaluated: 2026-02-01. Review status: criteria provided, single submitter. Criteria: Invitae Variant Classification Sherloc (09022015). Collection method: clinical testing. Allele origin: germline.

Breakthrough Genomics
Classification: Benign. Review status: criteria provided, single submitter. Criteria: ACMG Guidelines, 2015. Collection method: not provided. Allele origin: germline. Inheritance: Autosomal recessive inheritance. Affected: yes.

PreventionGenetics, part of Exact Sciences
Classification: Benign for IFT57-related condition. Last evaluated: 2024-03-27. Review status: no assertion criteria provided. Collection method: clinical testing. Allele origin: germline. Not counted in ClinVar's aggregate classification.
Comment: This variant is classified as benign based on ACMG/AMP sequence variant interpretation guidelines (Richards et al. 2015 PMID: 25741868, with internal and published modifications).